The following is an entry in ClinVar:

NM_001393769.1(MED12L):c.2141T>A (p.Val714Asp)

Gene: MED12L (mediator complex subunit 12L; plus strand). Cytogenetic location: 3q25.1.
Variant type: single nucleotide variant.
Coding change: c.2141T>A on transcript NM_001393769.1 (MANE Select); coding-DNA position 2141, T replaced by A.
Protein change: p.Val714Asp; replaces valine 714 with aspartic acid.
Molecular consequence: missense variant.
Genome position (GRCh38, 1-based): chr3:151,193,557, T>A. VCF-style: chr3-151193557-T-A. GRCh37 (hg19) VCF-style: chr3-150911344-T-A.
Other names: c.2036T>A, p.Val679Asp (NM_053002.6); short protein forms V679D, V714D.
Identifiers: ClinVar variation 3385069 (VCV003385069.1).

ClinVar aggregate classification (germline): Uncertain significance (1 of 4 stars; one submission).

gnomAD v4.1: 1 of 1,614,076 alleles (0.000062%); highest among the groups gnomAD compares: Non-Finnish European, 0.000085%; no homozygotes.

Submission:

Women's Health and Genetics/Laboratory Corporation of America, LabCorp
Classification: Uncertain significance. Last evaluated: 2024-10-31. Review status: criteria provided, single submitter. Criteria: LabCorp Variant Classification Summary - May 2015. Collection method: clinical testing. Allele origin: germline.
Comment: Variant summary: MED12L c.2036T>A (p.Val679Asp) results in a non-conservative amino acid change located in the Mediator complex, subunit Med12, LCEWAV-domain (IPR021990) of the encoded protein sequence. Four of five in-silico tools predict a benign effect of the variant on protein function. The variant was absent in 251382 control chromosomes. The available data on variant occurrences in the general population are insufficient to allow any conclusion about variant significance. To our knowledge, no occurrence of c.2036T>A in individuals affected with Nizon-Isidor Syndrome and no experimental evidence demonstrating its impact on protein function have been reported. No submitters have cited clinical-significance assessments for this variant to ClinVar. Based on the evidence outlined above, the variant was classified as uncertain significance.